The following is an entry in ClinVar:

NM_002972.4(SBF1):c.3772G>A (p.Ala1258Thr)

Gene: SBF1 (SET binding factor 1; minus strand). Cytogenetic location: 22q13.33.
Variant type: single nucleotide variant.
Coding change: c.3772G>A on transcript NM_002972.4 (MANE Select); coding-DNA position 3772, G replaced by A.
Protein change: p.Ala1258Thr; replaces alanine 1258 with threonine.
Molecular consequence: missense variant.
Genome position (GRCh38, 1-based): chr22:50,459,309, C>T on the plus strand (G>A on the coding strand, the complement: SBF1 is on the minus strand). VCF-style: chr22-50459309-C-T. GRCh37 (hg19) VCF-style: chr22-50897738-C-T.
Other names: c.3775G>A, p.Ala1259Thr (NM_001365819.1); short protein forms A1258T, A1259T.
Identifiers: ClinVar variation 374474 (VCV000374474.57), dbSNP rs370712299, ClinGen allele CA10316573.

ClinVar aggregate classification (germline): Uncertain significance. Review status: criteria provided, multiple submitters, no conflicts (2 of 4 stars). 6 submissions from 6 submitters: Uncertain significance (6). Last evaluated 2026-01-26.

Conditions:
Charcot-Marie-Tooth disease type 4B3. Also called: Charcot-Marie-Tooth Neuropathy Type 4B3; CHARCOT-MARIE-TOOTH DISEASE, DEMYELINATING, TYPE 4B3. Identifiers: Orphanet 363981, MedGen C3695063, MONDO:0014117, OMIM 615284.

Allele frequency attached by ClinVar (database versions not stated): TOPMed 0.00006; gnomAD 0.00007 and 0.00008; ESP Exome Variant Server 0.00008; gnomAD exomes 0.00008 and 0.00010; ExAC 0.00011.
gnomAD v4.1: 128 of 1,612,142 alleles (0.0079%); highest among the groups gnomAD compares: Middle Eastern, 0.033%; no homozygotes.

Submissions (6):

Labcorp Genetics (formerly Invitae), Labcorp
Classification: Uncertain significance. Last evaluated: 2026-01-26. Review status: criteria provided, single submitter. Criteria: Invitae Variant Classification Sherloc (09022015). Collection method: clinical testing. Allele origin: germline.
Comment: This sequence change replaces alanine, which is neutral and non-polar, with threonine, which is neutral and polar, at codon 1258 of the SBF1 protein (p.Ala1258Thr). This variant is present in population databases (rs370712299, gnomAD 0.02%). This variant has not been reported in the literature in individuals affected with SBF1-related conditions. ClinVar contains an entry for this variant (Variation ID: 374474). Invitae Evidence Modeling of protein sequence and biophysical properties (such as structural, functional, and spatial information, amino acid conservation, physicochemical variation, residue mobility, and thermodynamic stability) indicates that this missense variant is not expected to disrupt SBF1 protein function with a negative predictive value of 80%. In summary, the available evidence is currently insufficient to determine the role of this variant in disease. Therefore, it has been classified as a Variant of Uncertain Significance.

Ambry Genetics
Classification: Uncertain significance. Last evaluated: 2025-01-09. Review status: criteria provided, single submitter. Criteria: Ambry Variant Classification Scheme 2023. Collection method: clinical testing. Allele origin: germline.

CeGaT Center for Human Genetics Tuebingen
Classification: Uncertain significance. Last evaluated: 2022-09-01. Review status: criteria provided, single submitter. Criteria: CeGaT Center For Human Genetics Tuebingen Variant Classification Criteria Version 2. Collection method: clinical testing. Allele origin: germline. Affected: yes. Observed: 2 variant alleles.
Comment: SBF1: PM2:Supporting, BP4

GeneDx
Classification: Uncertain significance. Last evaluated: 2021-12-20. Review status: criteria provided, single submitter. Criteria: GeneDx Variant Classification Process June 2021. Collection method: clinical testing. Allele origin: germline. Affected: yes.
Comment: In silico analysis supports that this missense variant does not alter protein structure/function; Has not been previously published as pathogenic or benign to our knowledge

Fulgent Genetics
Classification: Uncertain significance for Charcot-Marie-Tooth disease type 4B3. Last evaluated: 2021-11-03. Review status: criteria provided, single submitter. Criteria: ACMG Guidelines, 2015. Collection method: clinical testing. Allele origin: unknown.

Mayo Clinic Laboratories, Mayo Clinic
Classification: Uncertain significance. Last evaluated: 2020-01-13. Review status: criteria provided, single submitter. Criteria: ACMG Guidelines, 2015. Collection method: clinical testing. Allele origin: germline. Observed: 1 variant allele.